The following is an entry in ClinVar:

ClinVar aggregate classification (germline): Likely pathogenic (1 of 4 stars; one submission).

Conditions:
Cardiomyopathy, familial hypertrophic 27. Identifiers: MedGen C4748014, MONDO:0054838, OMIM 618052.

Submission:

Juno Genomics, Hangzhou Juno Genomics, Inc
Classification: Likely pathogenic for Cardiomyopathy, familial hypertrophic 27. Review status: criteria provided, single submitter. Criteria: ACMG Guidelines, 2015. Collection method: clinical testing. Allele origin: germline.
Comment: Null variant in a gene where loss of function (LOF) is a known mechanism of disease.;Absent from controls (or at extremely low frequency if recessive) in Genome Aggregation Database.

NM_020778.5(ALPK3):c.420C>G (p.Tyr140Ter)

Gene: ALPK3 (alpha kinase 3; plus strand). Cytogenetic location: 15q25.3.
Variant type: single nucleotide variant.
Coding change: c.420C>G on transcript NM_020778.5 (MANE Select); coding-DNA position 420, C replaced by G.
Protein change: p.Tyr140Ter; replaces tyrosine 140 with a stop codon.
Molecular consequence: nonsense.
Genome position (GRCh38, 1-based): chr15:84,839,095, C>G. VCF-style: chr15-84839095-C-G. GRCh37 (hg19) VCF-style: chr15-85382326-C-G.
Other names: short protein forms Y140*.
Identifiers: ClinVar variation 5005468 (VCV005005468.2).